The following is an entry in ClinVar:

NM_002468.5(MYD88):c.458C>A (p.Pro153His)

Gene: MYD88 (MYD88 innate immune signal transduction adaptor; plus strand). Cytogenetic location: 3p22.2.
Variant type: single nucleotide variant.
Coding change: c.458C>A on transcript NM_002468.5 (MANE Select); coding-DNA position 458, C replaced by A.
Protein change: p.Pro153His; replaces proline 153 with histidine.
Molecular consequence: missense variant. On other transcripts: intron variant (3).
Genome position (GRCh38, 1-based): chr3:38,139,993, C>A. VCF-style: chr3-38139993-C-A. GRCh37 (hg19) VCF-style: chr3-38181484-C-A.
Other names: c.458C>A, p.Pro153His (NM_001172567.2, NM_001172569.3, NM_001365876.1 and 1 more transcripts); c.329-395C>A (NM_001172568.2, NM_001365877.1); c.329-764C>A (NM_001172566.2); short protein forms P153H.
Identifiers: ClinVar variation 953721 (VCV000953721.7), dbSNP rs746846997, ClinGen allele CA2316119.

ClinVar aggregate classification (germline): Uncertain significance. Review status: criteria provided, multiple submitters, no conflicts (2 of 4 stars). 2 submissions from 2 submitters: Uncertain significance (2). Last evaluated 2025-11-05.

Conditions:
Inborn genetic diseases. Identifiers: MedGen C0950123, MeSH D030342.
Pyogenic bacterial infections due to MyD88 deficiency (IMD68). Also called: PYOGENIC BACTERIAL INFECTIONS, RECURRENT, DUE TO MYD88 DEFICIENCY. Identifiers: Orphanet 183713, MedGen C2677092, MONDO:0012839, OMIM 612260.

Allele frequency attached by ClinVar (database versions not stated): ExAC 0.00001; gnomAD 0.00001; gnomAD exomes 0.00001; TOPMed 0.00001.
gnomAD v4.1: 126 of 1,613,148 alleles (0.0078%); highest among the groups gnomAD compares: Non-Finnish European, 0.011%; no homozygotes.

Submissions (2):

Ambry Genetics
Classification: Uncertain significance for Inborn genetic diseases. Last evaluated: 2025-11-05. Review status: criteria provided, single submitter. Criteria: Ambry Variant Classification Scheme 2023. Collection method: clinical testing. Allele origin: germline.

Labcorp Genetics (formerly Invitae), Labcorp
Classification: Uncertain significance for Pyogenic bacterial infections due to MyD88 deficiency. Last evaluated: 2024-02-17. Review status: criteria provided, single submitter. Criteria: Invitae Variant Classification Sherloc (09022015). Collection method: clinical testing. Allele origin: germline.
Comment: This sequence change replaces proline, which is neutral and non-polar, with histidine, which is basic and polar, at codon 166 of the MYD88 protein (p.Pro166His). The frequency data for this variant in the population databases is considered unreliable, as metrics indicate poor data quality at this position in the gnomAD database. This variant has not been reported in the literature in individuals affected with MYD88-related conditions. ClinVar contains an entry for this variant (Variation ID: 953721). An algorithm developed to predict the effect of missense changes on protein structure and function (PolyPhen-2) suggests that this variant is likely to be disruptive. In summary, the available evidence is currently insufficient to determine the role of this variant in disease. Therefore, it has been classified as a Variant of Uncertain Significance.